The following is an entry in ClinVar:

ClinVar aggregate classification (germline): Uncertain significance (1 of 4 stars; one submission).

Submission:

Laboratory for Molecular Medicine, Mass General Brigham Personalized Medicine
Classification: Uncertain significance. Last evaluated: 2015-06-10. Review status: criteria provided, single submitter. Criteria: LMM Criteria. Collection method: clinical testing. Allele origin: germline. Observed: 1 variant allele.
Comment: The exon 16-26 duplication in STRC has not been previously reported in individua ls with hearing loss and data from population studies is insufficient to assess the frequency of this variant. The exact breakpoints and genomic location of the duplicated exons could not be determined due to limitations of the testing meth odology. Therefore, the impact of the duplication on the gene and the expressed protein is not clear. In summary, the clinical significance of the exon 16-26 du plication in STRC is uncertain.

NC_000015.9:g.(?_43892732)_(43901532_?)dup

Gene: STRC (stereocilin; minus strand). Cytogenetic location: 15q15.3.
Variant type: Duplication.
Identifiers: ClinVar variation 229272 (VCV000229272.5).